The following is an entry in ClinVar:

NM_030665.4(RAI1):c.3034G>A (p.Asp1012Asn)

Gene: RAI1 (retinoic acid induced 1; plus strand). Cytogenetic location: 17p11.2.
Variant type: single nucleotide variant.
Coding change: c.3034G>A on transcript NM_030665.4 (MANE Select); coding-DNA position 3034, G replaced by A.
Protein change: p.Asp1012Asn; replaces aspartic acid 1012 with asparagine.
Molecular consequence: missense variant.
Genome position (GRCh38, 1-based): chr17:17,795,982, G>A. VCF-style: chr17-17795982-G-A. GRCh37 (hg19) VCF-style: chr17-17699296-G-A.
Other names: c.3034G>A (NM_030665.3); short protein forms D1012N.
Identifiers: ClinVar variation 1427818 (VCV001427818.15), dbSNP rs755288297, ClinGen allele CA8418660.

ClinVar aggregate classification (germline): Benign/Likely benign. Review status: criteria provided, multiple submitters, no conflicts (2 of 4 stars). 5 submissions from 5 submitters: Benign (1); Likely benign (4). Last evaluated 2026-01-05.

Conditions:
RAI1-related disorder. Also called: RAI1-related condition.
Inborn genetic diseases. Identifiers: MedGen C0950123, MeSH D030342.

Allele frequency attached by ClinVar (database versions not stated): TOPMed 0.00002; ExAC 0.00005; gnomAD 0.00005; gnomAD exomes 0.00005 and 0.00006.
gnomAD v4.1: 98 of 1,600,616 alleles (0.0061%); highest among the groups gnomAD compares: Non-Finnish European, 0.0079%; 1 homozygote.

Submissions (5):

Labcorp Genetics (formerly Invitae), Labcorp
Classification: Benign. Last evaluated: 2026-01-05. Review status: criteria provided, single submitter. Criteria: Invitae Variant Classification Sherloc (09022015). Collection method: clinical testing. Allele origin: germline.

CeGaT Center for Human Genetics Tuebingen
Classification: Likely benign. Last evaluated: 2025-10-01. Review status: criteria provided, single submitter. Criteria: CeGaT Center For Human Genetics Tuebingen Variant Classification Criteria Version 2. Collection method: clinical testing. Allele origin: germline. Affected: yes. Observed: 1 variant allele.
Comment: RAI1: BS2

Laboratory of Genetics, Children's Clinical University Hospital Latvia
Classification: Likely benign. Last evaluated: 2025-02-16. Review status: criteria provided, single submitter. Criteria: ACMG Guidelines, 2015. Collection method: clinical testing. Allele origin: germline. Affected: yes.

PreventionGenetics, part of Exact Sciences
Classification: Likely benign for RAI1-related condition. Last evaluated: 2024-11-25. Review status: criteria provided, single submitter. Criteria: ACMG Guidelines, 2015. Collection method: clinical testing. Allele origin: germline.
Comment: This variant is classified as likely benign based on ACMG/AMP sequence variant interpretation guidelines (Richards et al. 2015 PMID: 25741868, with internal and published modifications).

Ambry Genetics
Classification: Likely benign for Inborn genetic diseases. Last evaluated: 2024-08-07. Review status: criteria provided, single submitter. Criteria: Ambry Variant Classification Scheme 2023. Collection method: clinical testing. Allele origin: germline.